The following is an entry in ClinVar:

ClinVar aggregate classification (germline): Benign/Likely benign. Review status: criteria provided, multiple submitters, no conflicts (2 of 4 stars). 4 submissions from 4 submitters: Benign (1); Likely benign (3). Last evaluated 2025-10-29.

Conditions:
Combined oxidative phosphorylation deficiency. Identifiers: MedGen C4540031, MONDO:0000732.
Charcot-Marie-Tooth Neuropathy X. Identifiers: MedGen CN118851.
Inborn genetic diseases. Identifiers: MedGen C0950123, MeSH D030342.

Allele frequency attached by ClinVar (database versions not stated): ExAC 0.00003; gnomAD exomes 0.00003; TOPMed 0.00004; gnomAD 0.00005 and 0.00007.
gnomAD v4.1: 36 of 1,209,501 alleles (0.003%); highest among the groups gnomAD compares: Non-Finnish European, 0.0038%; no homozygotes.

Submissions (4):

Labcorp Genetics (formerly Invitae), Labcorp
Classification: Benign for Charcot-Marie-Tooth Neuropathy X; Combined oxidative phosphorylation deficiency. Last evaluated: 2025-10-29. Review status: criteria provided, single submitter. Criteria: Invitae Variant Classification Sherloc (09022015). Collection method: clinical testing. Allele origin: germline.

CeGaT Center for Human Genetics Tuebingen
Classification: Likely benign. Last evaluated: 2023-01-01. Review status: criteria provided, single submitter. Criteria: CeGaT Center For Human Genetics Tuebingen Variant Classification Criteria Version 2. Collection method: clinical testing. Allele origin: germline. Affected: yes. Observed: 1 variant allele.
Comment: AIFM1: BS2

Ambry Genetics
Classification: Likely benign for Inborn genetic diseases. Last evaluated: 2021-06-22. Review status: criteria provided, single submitter. Criteria: Ambry Variant Classification Scheme 2023. Collection method: clinical testing. Allele origin: germline.

GeneDx
Classification: Likely benign. Last evaluated: 2018-09-07. Review status: criteria provided, single submitter. Criteria: GeneDx Variant Classification Process June 2021. Collection method: clinical testing. Allele origin: germline. Affected: yes.

NM_004208.4(AIFM1):c.134C>G (p.Pro45Arg)

Genes: AIFM1 (apoptosis inducing factor mitochondria associated 1; minus strand), RAB33A (RAB33A, member RAS oncogene family; plus strand). Cytogenetic location: Xq26.1.
Variant type: single nucleotide variant.
Coding change: c.134C>G on transcript NM_004208.4 (MANE Select); coding-DNA position 134, C replaced by G.
Protein change: p.Pro45Arg; replaces proline 45 with arginine.
Molecular consequence: missense variant. On other transcripts: intron variant (1).
Genome position (GRCh38, 1-based): chrX:130,156,576, G>C on the plus strand (C>G on the coding strand, the complement: AIFM1 is on the minus strand). VCF-style: chrX-130156576-G-C. GRCh37 (hg19) VCF-style: chrX-129290550-G-C.
Other names: p.P45R:CCT>CGT; c.134C>G, p.Pro45Arg (NM_001130847.4); c.107-1290C>G (NM_145812.3); short protein forms P45R.
Identifiers: ClinVar variation 214085 (VCV000214085.39), dbSNP rs756361109, ClinGen allele CA319902.